The following is an entry in ClinVar:

NM_024577.4(SH3TC2):c.3550A>G (p.Met1184Val)

Gene: SH3TC2 (SH3 domain and tetratricopeptide repeats 2; minus strand). Cytogenetic location: 5q32.
Variant type: single nucleotide variant.
Coding change: c.3550A>G on transcript NM_024577.4 (MANE Select); coding-DNA position 3550, A replaced by G.
Protein change: p.Met1184Val; replaces methionine 1184 with valine.
Molecular consequence: missense variant.
Genome position (GRCh38, 1-based): chr5:149,007,006, T>C on the plus strand (A>G on the coding strand, the complement: SH3TC2 is on the minus strand). VCF-style: chr5-149007006-T-C. GRCh37 (hg19) VCF-style: chr5-148386569-T-C.
Other names: p.Met1184Val; short protein forms M1184V.
Identifiers: ClinVar variation 157532 (VCV000157532.67), dbSNP rs142451273, ClinGen allele CA270944.

ClinVar aggregate classification (germline): Conflicting classifications of pathogenicity. Review status: criteria provided, conflicting classifications (1 of 4 stars). 14 submissions from 13 submitters: Uncertain significance (10); Benign (1); Likely benign (2). 1 of the submissions does not count toward it. Last evaluated 2026-06-01.

Conditions:
SH3TC2-related disorder. Also called: SH3TC2-related condition; SH3TC2-related disorders. Identifiers: MedGen CN239303.
Charcot-Marie-Tooth disease. Also called: Charcot-Marie-Tooth Hereditary Neuropathy; Charcot-Marie-Tooth Neuropathy. Identifiers: Orphanet 166, MedGen C0007959, MONDO:0015626.
Inborn genetic diseases. Identifiers: MedGen C0950123, MeSH D030342.
Susceptibility to mononeuropathy of the median nerve, mild. Also called: CARPAL TUNNEL SYNDROME, SUSCEPTIBILITY TO. Identifiers: MedGen C3150596, MONDO:0013237, OMIM 613353.
Charcot-Marie-Tooth disease type 4C (CMT4C). Also called: SH3TC2-Related Hereditary Motor and Sensory Neuropathy; CHARCOT-MARIE-TOOTH DISEASE, DEMYELINATING, AUTOSOMAL RECESSIVE, TYPE 4C; Charcot-Marie-Tooth Neuropathy Type 4C (CMT4C); CMT 4C; CHARCOT-MARIE-TOOTH DISEASE, DEMYELINATING, TYPE 4C. Identifiers: Orphanet 99949, MedGen C1866636, MONDO:0011113, OMIM 601596.
Charcot-Marie-Tooth disease type 4. Also called: Charcot-Marie-Tooth disease, type IV; Charcot-Marie-Tooth, Type 4. Identifiers: Orphanet 64749, MedGen C4082197, MONDO:0018995.

Allele frequency attached by ClinVar (database versions not stated): ESP Exome Variant Server 0.00023; TOPMed 0.00031; gnomAD exomes 0.00035 and 0.00040; ExAC 0.00037; gnomAD 0.00049 and 0.00051.

Submissions (17):

CeGaT Center for Human Genetics Tuebingen
Classification: Uncertain significance. Last evaluated: 2026-06-01. Review status: criteria provided, single submitter. Criteria: CeGaT Center For Human Genetics Tuebingen Variant Classification Criteria Version 2. Collection method: clinical testing. Allele origin: germline. Affected: yes. Observed: 11 variant alleles.

Labcorp Genetics (formerly Invitae), Labcorp
Classification: Likely benign for Charcot-Marie-Tooth disease type 4. Last evaluated: 2026-01-27. Review status: criteria provided, single submitter. Criteria: Invitae Variant Classification Sherloc (09022015). Collection method: clinical testing. Allele origin: germline.

Mayo Clinic Laboratories, Mayo Clinic
Classification: Uncertain significance. Last evaluated: 2025-05-13. Review status: criteria provided, single submitter. Criteria: ACMG Guidelines, 2015. Collection method: clinical testing. Allele origin: germline. Observed: 1 variant allele.
Comment: BP4

PreventionGenetics, part of Exact Sciences
Classification: Likely benign for SH3TC2-related condition. Last evaluated: 2025-03-05. Review status: criteria provided, single submitter. Criteria: ACMG Guidelines, 2015. Collection method: clinical testing. Allele origin: germline.
Comment: This variant is classified as likely benign based on ACMG/AMP sequence variant interpretation guidelines (Richards et al. 2015 PMID: 25741868, with internal and published modifications).

Blueprint Genetics
Classification: Uncertain significance. Last evaluated: 2024-11-08. Review status: criteria provided, single submitter. Criteria: ACMG Guidelines, 2015. Collection method: clinical testing. Allele origin: germline.

Athena Diagnostics
Classification: Benign. Last evaluated: 2024-07-05. Review status: criteria provided, single submitter. Criteria: Athena Diagnostics Criteria. Collection method: clinical testing. Allele origin: unknown.

ARUP Laboratories, Molecular Genetics and Genomics, ARUP Laboratories
Classification: Uncertain significance. Last evaluated: 2024-06-18. Review status: criteria provided, single submitter. Criteria: ARUP Molecular Germline Variant Investigation Process 2024. Collection method: clinical testing. Allele origin: germline.
Comment: The SH3TC2 c.3550A>G; p.Met1184Val variant (rs142451273) is reported in the literature in individuals with CMT disease, but the variant was not determined to be causative (DiVincenzo 2014, Hoyer 2014, Volodarsky 2021). This variant is observed in the non-Finnish European population with an allele frequency of 0.085% (110/129182 alleles) in the Genome Aggregation Database (v2.1.1). Computational analyses are uncertain whether this variant is neutral or deleterious (REVEL: 0.186). Due to limited information, the clinical significance of this variant is uncertain at this time. References: DiVincenzo C et al. The allelic spectrum of Charcot-Marie-Tooth disease in over 17,000 individuals with neuropathy. Mol Genet Genomic Med. 2014 Nov;2(6):522-9. PMID: 25614874. Hoyer H et al. Genetic diagnosis of Charcot-Marie-Tooth disease in a population by next-generation sequencing. Biomed Res Int. 2014;2014:210401. PMID: 25025039. Volodarsky M et al. Comprehensive genetic sequence and copy number analysis for Charcot-Marie-Tooth disease in a Canadian cohort of 2517 patients. J Med Genet. 2021 Apr;58(4):284-288. PMID: 32376792.

Ambry Genetics
Classification: Uncertain significance for Inborn genetic diseases. Last evaluated: 2024-02-01. Review status: criteria provided, single submitter. Criteria: Ambry Variant Classification Scheme 2023. Collection method: clinical testing. Allele origin: germline.

Department of Pathology and Laboratory Medicine, Sinai Health System
Classification: Uncertain significance for Charcot-Marie-Tooth disease type 4C; Susceptibility to mononeuropathy of the median nerve, mild. Last evaluated: 2022-07-21. Review status: criteria provided, single submitter. Criteria: ACMG Guidelines, 2015. Collection method: research. Allele origin: germline.

GeneDx
Classification: Uncertain significance. Last evaluated: 2019-06-27. Review status: criteria provided, single submitter. Criteria: GeneDx Variant Classification Process June 2021. Collection method: clinical testing. Allele origin: germline. Affected: yes.
Comment: Reported in an individual with CMT1 without an identified second SH3TC2 variant; the authors classified this as a variant of uncertain significance (Hoyer et al., 2014); In silico analysis, which includes protein predictors and evolutionary conservation, supports that this variant does not alter protein structure/function; This variant is associated with the following publications: (PMID: 25614874, 25025039, 28492532, 32376792)

Illumina Laboratory Services, Illumina
Classification: Uncertain significance for Susceptibility to mononeuropathy of the median nerve, mild. Last evaluated: 2018-01-12. Review status: criteria provided, single submitter. Criteria: ICSL Variant Classification Criteria 13 December 2019. Collection method: clinical testing. Allele origin: germline.

Illumina Laboratory Services, Illumina
Classification: Uncertain significance for Charcot-Marie-Tooth disease type 4C. Last evaluated: 2018-01-12. Review status: criteria provided, single submitter. Criteria: ICSL Variant Classification Criteria 13 December 2019. Collection method: clinical testing. Allele origin: germline.

Molecular Genetics Laboratory, London Health Sciences Centre
Classification: Uncertain significance for Charcot-Marie-Tooth disease. Review status: criteria provided, single submitter. Criteria: ACMG Guidelines, 2015. Collection method: clinical testing. Allele origin: germline. Affected: yes.

Dept. of Medical Genetics, Telemark Hospital Trust, Telemark Hospital Trust
Classification: Uncertain significance for Charcot-Marie-Tooth disease. Last evaluated: 2013-11-01. Review status: no assertion criteria provided. Collection method: research. Allele origin: unknown. Affected: yes. Study: Charcot-Marie-Tooth disease study. Not counted in ClinVar's aggregate classification.
Comment: Populational based study of Charcot-Marie-Tooth disease in Norway

Dr. Peter K. Rogan Lab, Western University
No classification provided (evidence only). Condition: Acute myeloid leukemia. Review status: no classification provided. Collection method: in vitro. Allele origin: not applicable. Functional consequence: retained intron. Not counted in ClinVar's aggregate classification.

Dr. Peter K. Rogan Lab, Western University
No classification provided (evidence only). Condition: Cervical cancer. Review status: no classification provided. Collection method: in vitro. Allele origin: not applicable. Functional consequence: retained intron. Not counted in ClinVar's aggregate classification.

Dr. Peter K. Rogan Lab, Western University
No classification provided (evidence only). Condition: Gastric cancer. Review status: no classification provided. Collection method: in vitro. Allele origin: not applicable. Functional consequence: retained intron. Not counted in ClinVar's aggregate classification.

Literature cited by the submitters: PubMed 25025039 (cited by 4 submitters); PubMed 25614874 (cited by 3 submitters); PubMed 26257771 (cited by Mayo Clinic Laboratories, Mayo Clinic and Athena Diagnostics); PubMed 29590070 (cited by Mayo Clinic Laboratories, Mayo Clinic and Athena Diagnostics); PubMed 29970176 (cited by Mayo Clinic Laboratories, Mayo Clinic and Athena Diagnostics); PubMed 32376792 (cited by Mayo Clinic Laboratories, Mayo Clinic); PMC 4306395 (cited by Dept. of Medical Genetics, Telemark Hospital Trust, Telemark Hospital Trust).